The following is an entry in ClinVar:

ClinVar aggregate classification (germline): Conflicting classifications of pathogenicity. Review status: criteria provided, conflicting classifications (1 of 4 stars). 2 submissions from 2 submitters: Uncertain significance (1); Likely benign (1). Last evaluated 2026-01-25.

Conditions:
Cardiovascular phenotype. Identifiers: MedGen CN230736.

Allele frequency attached by ClinVar (database versions not stated): gnomAD exomes 0.00001; ExAC 0.00002; gnomAD 0.00002 and 0.00003; TOPMed 0.00002; ESP Exome Variant Server 0.00008; 1000 Genomes Project 30x 0.00016.
gnomAD v4.1: 10 of 1,614,020 alleles (0.00062%); highest among the groups gnomAD compares: Admixed American, 0.005%; no homozygotes.

Submissions (2):

Labcorp Genetics (formerly Invitae), Labcorp
Classification: Uncertain significance. Last evaluated: 2026-01-25. Review status: criteria provided, single submitter. Criteria: Invitae Variant Classification Sherloc (09022015). Collection method: clinical testing. Allele origin: germline.
Comment: This sequence change replaces glutamic acid, which is acidic and polar, with lysine, which is basic and polar, at codon 1030 of the ALPK3 protein (p.Glu1030Lys). This variant is present in population databases (rs200846317, gnomAD 0.005%). This variant has not been reported in the literature in individuals affected with ALPK3-related conditions. ClinVar contains an entry for this variant (Variation ID: 1415495). Invitae Evidence Modeling of protein sequence and biophysical properties (such as structural, functional, and spatial information, amino acid conservation, physicochemical variation, residue mobility, and thermodynamic stability) indicates that this missense variant is not expected to disrupt ALPK3 protein function with a negative predictive value of 80%. In summary, the available evidence is currently insufficient to determine the role of this variant in disease. Therefore, it has been classified as a Variant of Uncertain Significance.

Ambry Genetics
Classification: Likely benign for Cardiovascular phenotype. Last evaluated: 2023-04-07. Review status: criteria provided, single submitter. Criteria: Ambry Variant Classification Scheme 2023. Collection method: clinical testing. Allele origin: germline.

NM_020778.5(ALPK3):c.2482G>A (p.Glu828Lys)

Gene: ALPK3 (alpha kinase 3; plus strand). Cytogenetic location: 15q25.3.
Variant type: single nucleotide variant.
Coding change: c.2482G>A on transcript NM_020778.5 (MANE Select); coding-DNA position 2482, G replaced by A.
Protein change: p.Glu828Lys; replaces glutamic acid 828 with lysine.
Molecular consequence: missense variant.
Genome position (GRCh38, 1-based): chr15:84,857,220, G>A. VCF-style: chr15-84857220-G-A. GRCh37 (hg19) VCF-style: chr15-85400451-G-A.
Other names: short protein forms E828K.
Identifiers: ClinVar variation 1415495 (VCV001415495.10), dbSNP rs200846317, ClinGen allele CA7709423.